The following is an entry in ClinVar:

NM_020461.4(TUBGCP6):c.2484+4A>C

Gene: TUBGCP6 (tubulin gamma complex component 6; minus strand). Cytogenetic location: 22q13.33.
Variant type: single nucleotide variant.
Coding change: c.2484+4A>C on transcript NM_020461.4 (MANE Select); 4 bases into the intron after coding-DNA position 2484, A replaced by C.
Molecular consequence: intron variant.
Genome position (GRCh38, 1-based): chr22:50,222,024, T>G on the plus strand (A>C on the coding strand, the complement: TUBGCP6 is on the minus strand). VCF-style: chr22-50222024-T-G. GRCh37 (hg19) VCF-style: chr22-50660453-T-G.
Identifiers: ClinVar variation 2033966 (VCV002033966.4), dbSNP rs1482718185, ClinGen allele CA640354032.
Genomic context (GRCh38, chr22:50,222,024, plus strand): 5'-AACACCAGGTGCCGAGGGCTATGGGAAAACCATAGGGCACCCTGGGTTCCACTCTGCCGC[T>G]TACCTGGGGGTGCACGCTCAAGAGGACGTCTGGCGGCTCCTGGGGCTGGTGAGCCTCAGA-3'

ClinVar aggregate classification (germline): Uncertain significance (1 of 4 stars; one submission).

gnomAD v4.1: 2 of 1,613,830 alleles (0.00012%); highest among the groups gnomAD compares: East Asian, 0.0045%; no homozygotes.

Submission:

Labcorp Genetics (formerly Invitae), Labcorp
Classification: Uncertain significance. Last evaluated: 2022-10-04. Review status: criteria provided, single submitter. Criteria: Invitae Variant Classification Sherloc (09022015). Collection method: clinical testing. Allele origin: germline.
Comment: This sequence change falls in intron 15 of the TUBGCP6 gene. It does not directly change the encoded amino acid sequence of the TUBGCP6 protein. It affects a nucleotide within the consensus splice site. This variant is present in population databases (no rsID available, gnomAD 0.01%). This variant has not been reported in the literature in individuals affected with TUBGCP6-related conditions. Variants that disrupt the consensus splice site are a relatively common cause of aberrant splicing (PMID: 17576681, 9536098). Algorithms developed to predict the effect of sequence changes on RNA splicing suggest that this variant is not likely to affect RNA splicing. In summary, the available evidence is currently insufficient to determine the role of this variant in disease. Therefore, it has been classified as a Variant of Uncertain Significance.

Literature cited by the submitters: PubMed 17576681; PubMed 9536098.